The following is an entry in ClinVar:

ClinVar aggregate classification (germline): Conflicting classifications of pathogenicity. Review status: criteria provided, conflicting classifications (1 of 4 stars). 3 submissions from 3 submitters: Uncertain significance (2); Likely benign (1). Last evaluated 2026-02-05.

Conditions:
TTN-related disorder. Also called: TTN-related condition; TTN-related disease; TTN-related disorders.

Allele frequency attached by ClinVar (database versions not stated): gnomAD 0.00001 and 0.00005; TOPMed 0.00001; gnomAD exomes 0.00007 and 0.00012; ExAC 0.00026; 1000 Genomes Project 30x 0.00031; 1000 Genomes Project 0.00040.
gnomAD v4.1: 107 of 1,592,976 alleles (0.0067%); highest among the groups gnomAD compares: South Asian, 0.094%; 2 homozygotes.

Submissions (3):

PreventionGenetics, part of Exact Sciences
Classification: Likely benign for TTN-related condition. Last evaluated: 2026-02-05. Review status: criteria provided, single submitter. Criteria: ACMG Guidelines, 2015. Collection method: clinical testing. Allele origin: germline.
Comment: This variant is classified as likely benign based on ACMG/AMP sequence variant interpretation guidelines (Richards et al. 2015 PMID: 25741868, with internal and published modifications).

Revvity Omics, Revvity
Classification: Uncertain significance. Last evaluated: 2022-05-11. Review status: criteria provided, single submitter. Criteria: ACMG Guidelines, 2015. Collection method: clinical testing. Allele origin: germline.

Eurofins Ntd Llc (ga)
Classification: Uncertain significance. Last evaluated: 2015-10-06. Review status: criteria provided, single submitter. Criteria: EGL Classification Definitions 2015. Collection method: clinical testing. Allele origin: germline. Observed: 3 variant alleles, 2 heterozygotes.

NM_001267550.2(TTN):c.26827G>A (p.Val8943Ile)

Gene: TTN (titin; minus strand). Cytogenetic location: 2q31.2.
Variant type: single nucleotide variant.
Coding change: c.26827G>A on transcript NM_001267550.2 (MANE Select); coding-DNA position 26827, G replaced by A.
Protein change: p.Val8943Ile; replaces valine 8943 with isoleucine.
Molecular consequence: missense variant. On other transcripts: intron variant (3).
Genome position (GRCh38, 1-based): chr2:178,713,307, C>T on the plus strand (G>A on the coding strand, the complement: TTN is on the minus strand). VCF-style: chr2-178713307-C-T. GRCh37 (hg19) VCF-style: chr2-179578034-C-T.
Other names: c.25876G>A, p.Val8626Ile (NM_001256850.1); c.23095G>A, p.Val7699Ile (NM_133378.4); c.13282+24775G>A (NM_003319.4); c.13858+24775G>A (NM_133437.4); c.13657+24775G>A (NM_133432.3); short protein forms V8943I, V7699I, V8626I.
Identifiers: ClinVar variation 283414 (VCV000283414.9), dbSNP rs529187709, ClinGen allele CA1999912.
Genomic context (GRCh38, chr2:178,713,307, plus strand): 5'-CTTCATGGAACCAGGAGACAGAGATTGGAGGTGACCCATAGACTTTACACTCCATTACAA[C>T]TGAGGAGCCGGATAGACCATTTGTCTCTTTCAATTTTCTTGTGAATGAAGGAGGAACGGT-3'
Protein context (NP_001254479.2, residues 8933-8953): KETNGLSGSS[Val8943Ile]VMECKVYGSP